The following is an entry in ClinVar:

NM_004994.3(MMP9):c.1516A>T (p.Thr506Ser)

Gene: MMP9 (matrix metallopeptidase 9; plus strand). Cytogenetic location: 20q13.12.
Variant type: single nucleotide variant.
Coding change: c.1516A>T on transcript NM_004994.3 (MANE Select); coding-DNA position 1516, A replaced by T.
Protein change: p.Thr506Ser; replaces threonine 506 with serine.
Molecular consequence: missense variant.
Genome position (GRCh38, 1-based): chr20:46,013,440, A>T. VCF-style: chr20-46013440-A-T. GRCh37 (hg19) VCF-style: chr20-44642079-A-T.
Other names: short protein forms T506S.
Identifiers: ClinVar variation 3010012 (VCV003010012.3), dbSNP rs2084297788, ClinGen allele CA409221088.
Genomic context (GRCh38, chr20:46,013,440, plus strand): 5'-ACAGGTCCCCCCTCAGCTGGCCCCACAGGTCCCCCCACTGCTGGCCCTTCTACGGCCACT[A>T]CTGTGCCTTTGAGTCCGGTGGACGATGCCTGCAACGTGAACATCTTCGACGCCATCGCGG-3'
Protein context (NP_004985.2, residues 496-516): PPTAGPSTAT[Thr506Ser]VPLSPVDDAC

ClinVar aggregate classification (germline): Uncertain significance (1 of 4 stars; one submission).

Allele frequency attached by ClinVar (database versions not stated): gnomAD exomes below 0.00001; gnomAD 0.00001; TOPMed 0.00001.
gnomAD v4.1: 3 of 1,613,716 alleles (0.00019%); highest among the groups gnomAD compares: Non-Finnish European, 0.00025%; no homozygotes.

Submission:

Labcorp Genetics (formerly Invitae), Labcorp
Classification: Uncertain significance. Last evaluated: 2022-11-24. Review status: criteria provided, single submitter. Criteria: Invitae Variant Classification Sherloc (09022015). Collection method: clinical testing. Allele origin: germline.
Comment: This sequence change replaces threonine, which is neutral and polar, with serine, which is neutral and polar, at codon 506 of the MMP9 protein (p.Thr506Ser). This variant is not present in population databases (gnomAD no frequency). This variant has not been reported in the literature in individuals affected with MMP9-related conditions. Algorithms developed to predict the effect of missense changes on protein structure and function are either unavailable or do not agree on the potential impact of this missense change (SIFT: "Tolerated"; PolyPhen-2: "Probably Damaging"; Align-GVGD: "Class C0"). In summary, the available evidence is currently insufficient to determine the role of this variant in disease. Therefore, it has been classified as a Variant of Uncertain Significance.